The following is an entry in ClinVar:

ClinVar aggregate classification (germline): Uncertain significance. Review status: criteria provided, multiple submitters, no conflicts (2 of 4 stars). 2 submissions from 2 submitters: Uncertain significance (2). Last evaluated 2025-01-22.

Conditions:
Hereditary nonpolyposis colorectal neoplasms. Identifiers: MedGen C0009405, MeSH D003123.
Hereditary cancer-predisposing syndrome. Also called: Neoplastic Syndromes, Hereditary; Tumor predisposition; Hereditary neoplastic syndrome; Hereditary Cancer Syndrome. Identifiers: Orphanet 140162, MedGen C0027672, MeSH D009386, MONDO:0015356.

Submissions (2):

Labcorp Genetics (formerly Invitae), Labcorp
Classification: Uncertain significance for Hereditary nonpolyposis colorectal neoplasms. Last evaluated: 2025-01-22. Review status: criteria provided, single submitter. Criteria: Invitae Variant Classification Sherloc (09022015). Collection method: clinical testing. Allele origin: germline.
Comment: This sequence change replaces glycine, which is neutral and non-polar, with serine, which is neutral and polar, at codon 260 of the MSH6 protein (p.Gly260Ser). This variant is not present in population databases (gnomAD no frequency). This variant has not been reported in the literature in individuals affected with MSH6-related conditions. ClinVar contains an entry for this variant (Variation ID: 3230591). Invitae Evidence Modeling of protein sequence and biophysical properties (such as structural, functional, and spatial information, amino acid conservation, physicochemical variation, residue mobility, and thermodynamic stability) indicates that this missense variant is not expected to disrupt MSH6 protein function with a negative predictive value of 95%. In summary, the available evidence is currently insufficient to determine the role of this variant in disease. Therefore, it has been classified as a Variant of Uncertain Significance.

Ambry Genetics
Classification: Uncertain significance for Hereditary cancer-predisposing syndrome. Last evaluated: 2023-10-06. Review status: criteria provided, single submitter. Criteria: Ambry Variant Classification Scheme 2023. Collection method: clinical testing. Allele origin: germline.
Comment: The p.G260S variant (also known as c.778G>A), located in coding exon 4 of the MSH6 gene, results from a G to A substitution at nucleotide position 778. The glycine at codon 260 is replaced by serine, an amino acid with similar properties. This amino acid position is highly conserved in available vertebrate species. In addition, the in silico prediction for this alteration is inconclusive. Since supporting evidence is limited at this time, the clinical significance of this alteration remains unclear.

NM_000179.3(MSH6):c.778G>A (p.Gly260Ser)

Gene: MSH6 (mutS homolog 6; plus strand). Cytogenetic location: 2p16.3.
Variant type: single nucleotide variant.
Coding change: c.778G>A on transcript NM_000179.3 (MANE Select); coding-DNA position 778, G replaced by A.
Protein change: p.Gly260Ser; replaces glycine 260 with serine.
Molecular consequence: missense variant. On other transcripts: 5 prime UTR variant (9), non-coding transcript variant (4), intron variant (1).
Genome position (GRCh38, 1-based): chr2:47,798,761, G>A. VCF-style: chr2-47798761-G-A. GRCh37 (hg19) VCF-style: chr2-48025900-G-A.
Other names: c.388G>A, p.Gly130Ser (NM_001281492.2); c.-129G>A (NM_001281493.2, NM_001281494.2, NM_001406811.1 and 6 more transcripts); c.874G>A, p.Gly292Ser (NM_001406795.1, NM_001406802.1); c.778G>A, p.Gly260Ser (NM_001406796.1, NM_001406798.1, NM_001406800.1 and 4 more transcripts); c.481G>A, p.Gly161Ser (NM_001406797.1, NM_001406801.1, NM_001406805.1 and 10 more transcripts); c.253G>A, p.Gly85Ser (NM_001406799.1, NM_001406806.1, NM_001406807.1); c.700G>A, p.Gly234Ser (NM_001406804.1); c.784G>A, p.Gly262Ser (NM_001406813.1); and 2 more; short protein forms G130S, G161S, G204S, G234S, G260S, G262S, G292S, G85S.
Identifiers: ClinVar variation 3230591 (VCV003230591.3), dbSNP rs2530571134, ClinGen allele CA346740236.
Genomic context (GRCh38, chr2:47,798,761, plus strand): 5'-CGAAGTAGCCGCCAAATAAAAAAACGAAGGGTCATATCAGATTCTGAGAGTGACATTGGT[G>A]GCTCTGATGTGGAATTTAAGCCAGACACTAAGGAGGAAGGAAGCAGTGATGAAATAAGCA-3'
Protein context (NP_000170.1, residues 250-270): VISDSESDIG[Gly260Ser]SDVEFKPDTK